The following is an entry in ClinVar:

ClinVar aggregate classification (germline): Uncertain significance (1 of 4 stars; one submission).

Submission:

Labcorp Genetics (formerly Invitae), Labcorp
Classification: Uncertain significance. Last evaluated: 2022-07-13. Review status: criteria provided, single submitter. Criteria: Invitae Variant Classification Sherloc (09022015). Collection method: clinical testing. Allele origin: germline.
Comment: This sequence change replaces glutamic acid, which is acidic and polar, with valine, which is neutral and non-polar, at codon 454 of the MARVELD2 protein (p.Glu454Val). This variant is not present in population databases (gnomAD no frequency). This variant has not been reported in the literature in individuals affected with MARVELD2-related conditions. Algorithms developed to predict the effect of missense changes on protein structure and function are either unavailable or do not agree on the potential impact of this missense change (SIFT: "Deleterious"; PolyPhen-2: "Possibly Damaging"; Align-GVGD: "Class C0"). In summary, the available evidence is currently insufficient to determine the role of this variant in disease. Therefore, it has been classified as a Variant of Uncertain Significance.

NM_001038603.3(MARVELD2):c.1361A>T (p.Glu454Val)

Gene: MARVELD2 (MARVEL domain containing 2; plus strand). Cytogenetic location: 5q13.2.
Variant type: single nucleotide variant.
Coding change: c.1361A>T on transcript NM_001038603.3 (MANE Select); coding-DNA position 1361, A replaced by T.
Protein change: p.Glu454Val; replaces glutamic acid 454 with valine.
Molecular consequence: missense variant.
Genome position (GRCh38, 1-based): chr5:69,432,951, A>T. VCF-style: chr5-69432951-A-T. GRCh37 (hg19) VCF-style: chr5-68728778-A-T.
Other names: c.1325A>T, p.Glu442Val (NM_001244734.2); short protein forms E442V, E454V.
Identifiers: ClinVar variation 2086979 (VCV002086979.4), dbSNP rs1767011599, ClinGen allele CA359927213.
Genomic context (GRCh38, chr5:69,432,951, plus strand): 5'-ATTATATCTTTGGCTTATGTTTTTCCCCTAGAAAATACCCTGTGATTCAGACAGATGATG[A>T]GCGAGAACGCTATAAAGCTGTGTTCCAAGACCAGTTTTCAGAGTACAAAGAGCTGTCTGC-3'
Protein context (NP_001033692.2, residues 444-464): AKYPVIQTDD[Glu454Val]RERYKAVFQD